The following is an entry in ClinVar:

ClinVar aggregate classification (germline): Benign. Review status: criteria provided, multiple submitters, no conflicts (2 of 4 stars). 3 submissions from 3 submitters: Benign (2). 1 of the submissions does not count toward it. Last evaluated 2019-12-31.

Conditions:
NEO1-related disorder. Also called: NEO1-related condition.

Allele frequency attached by ClinVar (database versions not stated): gnomAD 0.13774 and 0.13013; 1000 Genomes Project 0.24521; ESP Exome Variant Server 0.00740; ExAC 0.04353; gnomAD exomes 0.07600 and 0.09353.

Submissions (12):

Labcorp Genetics (formerly Invitae), Labcorp
Classification: Benign. Last evaluated: 2019-12-31. Review status: criteria provided, single submitter. Criteria: Invitae Variant Classification Sherloc (09022015). Collection method: clinical testing. Allele origin: germline.

Breakthrough Genomics
Classification: Benign. Review status: criteria provided, single submitter. Criteria: ACMG Guidelines, 2015. Collection method: not provided. Allele origin: germline. Inheritance: Unknown mechanism. Affected: yes.

PreventionGenetics, part of Exact Sciences
Classification: Benign for NEO1-related condition. Last evaluated: 2019-11-25. Review status: no assertion criteria provided. Collection method: clinical testing. Allele origin: germline. Not counted in ClinVar's aggregate classification.
Comment: This variant is classified as benign based on ACMG/AMP sequence variant interpretation guidelines (Richards et al. 2015 PMID: 25741868, with internal and published modifications).

Dr. Peter K. Rogan Lab, Western University
No classification provided (evidence only). Condition: Familial cancer of breast. Review status: no classification provided. Collection method: in vitro. Allele origin: not applicable. Functional consequence: retained intron. Not counted in ClinVar's aggregate classification.

Dr. Peter K. Rogan Lab, Western University
No classification provided (evidence only). Condition: Familial cancer of breast. Review status: no classification provided. Collection method: in vitro. Allele origin: not applicable. Functional consequence: retained intron. Not counted in ClinVar's aggregate classification.

Dr. Peter K. Rogan Lab, Western University
No classification provided (evidence only). Condition: Thymoma. Review status: no classification provided. Collection method: in vitro. Allele origin: not applicable. Functional consequence: retained intron. Not counted in ClinVar's aggregate classification.

Dr. Peter K. Rogan Lab, Western University
No classification provided (evidence only). Condition: Cholangiocarcinoma. Review status: no classification provided. Collection method: in vitro. Allele origin: not applicable. Functional consequence: retained intron. Not counted in ClinVar's aggregate classification.

Dr. Peter K. Rogan Lab, Western University
No classification provided (evidence only). Condition: Cholangiocarcinoma. Review status: no classification provided. Collection method: in vitro. Allele origin: not applicable. Functional consequence: retained intron. Not counted in ClinVar's aggregate classification.

Dr. Peter K. Rogan Lab, Western University
No classification provided (evidence only). Condition: Cholangiocarcinoma. Review status: no classification provided. Collection method: in vitro. Allele origin: not applicable. Functional consequence: retained intron. Not counted in ClinVar's aggregate classification.

Dr. Peter K. Rogan Lab, Western University
No classification provided (evidence only). Condition: Cholangiocarcinoma. Review status: no classification provided. Collection method: in vitro. Allele origin: not applicable. Functional consequence: retained intron. Not counted in ClinVar's aggregate classification.

Dr. Peter K. Rogan Lab, Western University
No classification provided (evidence only). Condition: Gastric cancer. Review status: no classification provided. Collection method: in vitro. Allele origin: not applicable. Functional consequence: retained intron. Not counted in ClinVar's aggregate classification.

Dr. Peter K. Rogan Lab, Western University
No classification provided (evidence only). Condition: Gastric cancer. Review status: no classification provided. Collection method: in vitro. Allele origin: not applicable. Functional consequence: retained intron. Not counted in ClinVar's aggregate classification.

NM_002499.4(NEO1):c.879-8T>A

Gene: NEO1 (neogenin 1; plus strand). Cytogenetic location: 15q24.1.
Variant type: single nucleotide variant.
Coding change: c.879-8T>A on transcript NM_002499.4 (MANE Select); 8 bases into the intron before coding-DNA position 879, T replaced by A.
Molecular consequence: intron variant.
Genome position (GRCh38, 1-based): chr15:73,135,883, T>A. VCF-style: chr15-73135883-T-A. GRCh37 (hg19) VCF-style: chr15-73428224-T-A.
Other names: NC_000015.9:g.73428224T>A; c.879-8T>A (NM_001172624.2, NM_001419531.1, NM_001172623.2).
Identifiers: ClinVar variation 771006 (VCV000771006.8), dbSNP rs8035499, ClinGen allele CA7647754.